The following is an entry in ClinVar:

ClinVar aggregate classification (germline): Uncertain significance (1 of 4 stars; one submission).

Allele frequency attached by ClinVar (database versions not stated): gnomAD exomes below 0.00001.
gnomAD v4.1: 1 of 1,614,180 alleles (0.000062%); highest among the groups gnomAD compares: Admixed American, 0.0017%; no homozygotes.

Submission:

Labcorp Genetics (formerly Invitae), Labcorp
Classification: Uncertain significance. Last evaluated: 2022-11-15. Review status: criteria provided, single submitter. Criteria: Invitae Variant Classification Sherloc (09022015). Collection method: clinical testing. Allele origin: germline.
Comment: In summary, the available evidence is currently insufficient to determine the role of this variant in disease. Therefore, it has been classified as a Variant of Uncertain Significance. Algorithms developed to predict the effect of missense changes on protein structure and function (SIFT, PolyPhen-2, Align-GVGD) all suggest that this variant is likely to be tolerated. This variant has not been reported in the literature in individuals affected with LETM1-related conditions. This variant is not present in population databases (gnomAD no frequency). This sequence change replaces cysteine, which is neutral and slightly polar, with glycine, which is neutral and non-polar, at codon 102 of the LETM1 protein (p.Cys102Gly).

NM_012318.3(LETM1):c.304T>G (p.Cys102Gly)

Gene: LETM1 (leucine zipper and EF-hand containing transmembrane protein 1; minus strand). Cytogenetic location: 4p16.3.
Variant type: single nucleotide variant.
Coding change: c.304T>G on transcript NM_012318.3 (MANE Select); coding-DNA position 304, T replaced by G.
Protein change: p.Cys102Gly; replaces cysteine 102 with glycine.
Molecular consequence: missense variant.
Genome position (GRCh38, 1-based): chr4:1,841,637, A>C on the plus strand (T>G on the coding strand, the complement: LETM1 is on the minus strand). VCF-style: chr4-1841637-A-C. GRCh37 (hg19) VCF-style: chr4-1843364-A-C.
Other names: short protein forms C102G.
Identifiers: ClinVar variation 1963959 (VCV001963959.5), dbSNP rs560933887, ClinGen allele CA91280340.